The following is an entry in ClinVar:

ClinVar aggregate classification (germline): Uncertain significance (1 of 4 stars; one submission).

Conditions:
Oligodontia-cancer predisposition syndrome. Also called: TOOTH AGENESIS-COLORECTAL CANCER SYNDROME. Identifiers: Orphanet 300576, MedGen C1837750, MONDO:0012075, OMIM 608615. Disease mechanism: loss of function.

gnomAD v4.1: 1 of 1,610,996 alleles (0.000062%); no homozygotes.

Submission:

Labcorp Genetics (formerly Invitae), Labcorp
Classification: Uncertain significance for Oligodontia-cancer predisposition syndrome. Last evaluated: 2023-04-08. Review status: criteria provided, single submitter. Criteria: Invitae Variant Classification Sherloc (09022015). Collection method: clinical testing. Allele origin: germline.
Comment: This variant has not been reported in the literature in individuals affected with AXIN2-related conditions. In summary, the available evidence is currently insufficient to determine the role of this variant in disease. Therefore, it has been classified as a Variant of Uncertain Significance. Advanced modeling of protein sequence and biophysical properties (such as structural, functional, and spatial information, amino acid conservation, physicochemical variation, residue mobility, and thermodynamic stability) performed at Invitae indicates that this missense variant is not expected to disrupt AXIN2 protein function. ClinVar contains an entry for this variant (Variation ID: 2013883). This variant is not present in population databases (gnomAD no frequency). This sequence change replaces proline, which is neutral and non-polar, with serine, which is neutral and polar, at codon 588 of the AXIN2 protein (p.Pro588Ser).

NM_004655.4(AXIN2):c.1762C>T (p.Pro588Ser)

Gene: AXIN2 (axin 2; minus strand). Cytogenetic location: 17q24.1.
Variant type: single nucleotide variant.
Coding change: c.1762C>T on transcript NM_004655.4 (MANE Select); coding-DNA position 1762, C replaced by T.
Protein change: p.Pro588Ser; replaces proline 588 with serine.
Molecular consequence: missense variant. On other transcripts: intron variant (1).
Genome position (GRCh38, 1-based): chr17:65,537,014, G>A on the plus strand (C>T on the coding strand, the complement: AXIN2 is on the minus strand). VCF-style: chr17-65537014-G-A. GRCh37 (hg19) VCF-style: chr17-63533132-G-A.
Other names: c.1712+310C>T (NM_001363813.1); short protein forms P588S.
Identifiers: ClinVar variation 2013883 (VCV002013883.4), dbSNP rs2144451205, ClinGen allele CA400676667.
Genomic context (GRCh38, chr17:65,537,014, plus strand): 5'-GCTGCAGGGCCCCAGCTCCGCCGGGGGCCCCTCCTTCCCTGGCGGGCAGGGCCAGGCCCG[G>A]CTCCGTGCCTTTCCCATTGCGTTTGGGCAAGGTACTGCCTCTGCTGCCGCTGTGGGGAAC-3'
Protein context (NP_004646.3, residues 578-598): LPKRNGKGTE[Pro588Ser]GLALPAREGG